The following is an entry in ClinVar:

ClinVar aggregate classification (germline): Likely pathogenic. Review status: criteria provided, multiple submitters, no conflicts (2 of 4 stars). 2 submissions from 2 submitters: Likely pathogenic (2). Last evaluated 2024-02-09.

Conditions:
Retinitis pigmentosa 25 (RP25). Identifiers: Orphanet 791, MedGen C1864446, MONDO:0011272, OMIM 602772.

Submissions (2):

Labcorp Genetics (formerly Invitae), Labcorp
Classification: Likely pathogenic. Last evaluated: 2024-02-09. Review status: criteria provided, single submitter. Criteria: Invitae Variant Classification Sherloc (09022015). Collection method: clinical testing. Allele origin: germline.
Comment: This sequence change affects an acceptor splice site in intron 21 of the EYS gene. It is expected to disrupt RNA splicing. Variants that disrupt the donor or acceptor splice site typically lead to a loss of protein function (PMID: 16199547), and loss-of-function variants in EYS are known to be pathogenic (PMID: 18836446, 20333770). This variant is not present in population databases (gnomAD no frequency). This variant has not been reported in the literature in individuals affected with EYS-related conditions. ClinVar contains an entry for this variant (Variation ID: 1324361). Algorithms developed to predict the effect of sequence changes on RNA splicing suggest that this variant may disrupt the consensus splice site. In summary, the currently available evidence indicates that the variant is pathogenic, but additional data are needed to prove that conclusively. Therefore, this variant has been classified as Likely Pathogenic.

Revvity Omics, Revvity
Classification: Likely pathogenic for Retinitis pigmentosa 25. Last evaluated: 2021-09-06. Review status: criteria provided, single submitter. Criteria: ACMG Guidelines, 2015. Collection method: clinical testing. Allele origin: germline.

Literature cited by the submitters: PubMed 16199547 (cited by Labcorp Genetics (formerly Invitae), Labcorp); PubMed 18836446 (cited by Labcorp Genetics (formerly Invitae), Labcorp); PubMed 20333770 (cited by Labcorp Genetics (formerly Invitae), Labcorp).

NM_001142800.2(EYS):c.3244-1G>C

Gene: EYS (EGF-like photoreceptor maintenance factor; minus strand). Cytogenetic location: 6q12.
Variant type: single nucleotide variant.
Coding change: c.3244-1G>C on transcript NM_001142800.2 (MANE Select); the canonical splice acceptor site of the intron before coding-DNA position 3244, G replaced by C.
Molecular consequence: splice acceptor variant.
Genome position (GRCh38, 1-based): chr6:64,813,578, C>G on the plus strand (G>C on the coding strand, the complement: EYS is on the minus strand). VCF-style: chr6-64813578-C-G. GRCh37 (hg19) VCF-style: chr6-65523471-C-G.
Other names: c.3244-1G>C (NM_001292009.2).
Identifiers: ClinVar variation 1324361 (VCV001324361.6), dbSNP rs2150016293, ClinGen allele CA364787113.